The following is an entry in ClinVar:

NM_018127.7(ELAC2):c.2353_2415dup (p.Arg785_Asp805dup)

Gene: ELAC2 (elaC ribonuclease Z 2; minus strand). Cytogenetic location: 17p12.
Variant type: Duplication.
Coding change: c.2353_2415dup on transcript NM_018127.7 (MANE Select); coding-DNA positions 2353 to 2415, 63 bases duplicated.
Protein change: p.Arg785_Asp805dup.
Molecular consequence: inframe insertion.
Genome position (GRCh38, 1-based): chr17:12,992,884-12,992,946, 63 bases duplicated. GRCh37 (hg19): chr17:12,896,201-12,896,263.
Other names: p.Arg785_Asp805dup; c.2233_2295dup, p.Arg745_Asp765dup (NM_001165962.2); c.2350_2412dup, p.Arg784_Asp804dup (NM_173717.2); c.2353_2415dupCGGGAGCTGCGGCAGGTGCGGGCGGCCCTCCTGTCCAGGGAGCTGGCAGGCGGCCTGGAGGAT (NM_018127.6); c.2353_2415dup63 (NM_018127.6).
Identifiers: ClinVar variation 408865 (VCV000408865.28), dbSNP rs1555571246, ClinGen allele CA8400800.

ClinVar aggregate classification (germline): Conflicting classifications of pathogenicity. Review status: criteria provided, conflicting classifications (1 of 4 stars). 7 submissions from 7 submitters: Uncertain significance (3); Likely benign (3). 1 of the submissions does not count toward it. Last evaluated 2026-06-01.

Conditions:
ELAC2-related disorder. Also called: ELAC2-related condition.
Inborn genetic diseases. Identifiers: MedGen C0950123, MeSH D030342.
Combined oxidative phosphorylation defect type 17. Also called: Combined oxidative phosphorylation deficiency 17. Identifiers: Orphanet 369913, MedGen C3809526, MONDO:0014190, OMIM 615440.

Allele frequency attached by ClinVar (database versions not stated): gnomAD exomes 0.00074 and 0.00160; gnomAD 0.00144.

Submissions (7):

CeGaT Center for Human Genetics Tuebingen
Classification: Likely benign. Last evaluated: 2026-06-01. Review status: criteria provided, single submitter. Criteria: CeGaT Center For Human Genetics Tuebingen Variant Classification Criteria Version 2. Collection method: clinical testing. Allele origin: germline. Affected: yes. Observed: 3 variant alleles.
Comment: ELAC2: PM4, BS2

GeneDx
Classification: Uncertain significance. Last evaluated: 2026-01-27. Review status: criteria provided, single submitter. Criteria: GeneDx Variant Classification Process June 2021. Collection method: clinical testing. Allele origin: germline.
Comment: Has not been previously published as pathogenic or benign to our knowledge; In-frame insertion of 21 amino acids in a non-repeat region

Mayo Clinic Laboratories, Mayo Clinic
Classification: Likely benign. Last evaluated: 2025-08-29. Review status: criteria provided, single submitter. Criteria: ACMG Guidelines, 2015. Collection method: clinical testing. Allele origin: germline. Observed: 5 variant alleles.
Comment: BS1, BS2

Blueprint Genetics
Classification: Likely benign. Last evaluated: 2024-10-30. Review status: criteria provided, single submitter. Criteria: ACMG Guidelines, 2015. Collection method: clinical testing. Allele origin: germline.

Labcorp Genetics (formerly Invitae), Labcorp
Classification: Uncertain significance for Combined oxidative phosphorylation defect type 17. Last evaluated: 2022-10-20. Review status: criteria provided, single submitter. Criteria: Invitae Variant Classification Sherloc (09022015). Collection method: clinical testing. Allele origin: germline.
Comment: This variant, c.2353_2415dup, results in the insertion of 21 amino acid(s) of the ELAC2 protein (p.Arg785_Asp805dup), but otherwise preserves the integrity of the reading frame. This variant is present in population databases (no rsID available, gnomAD 0.2%), including at least one homozygous and/or hemizygous individual. This variant has not been reported in the literature in individuals affected with ELAC2-related conditions. ClinVar contains an entry for this variant (Variation ID: 408865). In summary, the available evidence is currently insufficient to determine the role of this variant in disease. Therefore, it has been classified as a Variant of Uncertain Significance.

Ambry Genetics
Classification: Uncertain significance for Inborn genetic diseases. Last evaluated: 2022-01-28. Review status: criteria provided, single submitter. Criteria: Ambry Variant Classification Scheme 2023. Collection method: clinical testing. Allele origin: germline.
Comment: The c.2353_2415dupCGGGAGCTGCGGCAGGTGCGGGCGGCCCTCCTGTCCAGGGAGCTGGCAGGCGGCCTGGAGGAT (p.R785_D805dup) gross duplication spans coding exons XXXX through XXXX in the ELAC2 gene; however, the exact breakpoints of the deletion were not determined. Gene duplications are expected to disrupt gene function; however, it is unclear whether this duplication is disruptive to the ELAC2 gene, or is merely duplicated adjacent to the original xxxx gene or located elsewhere in the genome (Mazzarella, R and Schlessinger, D Genome Res 1998;8:1007-1021). Based on insufficient or conflicting evidence, the clinical significance of this alteration remains unclear.

PreventionGenetics, part of Exact Sciences
Classification: Likely benign for ELAC2-related condition. Last evaluated: 2022-06-17. Review status: no assertion criteria provided. Collection method: clinical testing. Allele origin: germline. Not counted in ClinVar's aggregate classification.
Comment: This variant is classified as likely benign based on ACMG/AMP sequence variant interpretation guidelines (Richards et al. 2015 PMID: 25741868, with internal and published modifications).